The following is an entry in ClinVar:

NM_001089.3(ABCA3):c.2769G>A (p.Trp923Ter)

Gene: ABCA3 (ATP binding cassette subfamily A member 3; minus strand). Cytogenetic location: 16p13.3.
Variant type: single nucleotide variant.
Coding change: c.2769G>A on transcript NM_001089.3 (MANE Select); coding-DNA position 2769, G replaced by A.
Protein change: p.Trp923Ter; replaces tryptophan 923 with a stop codon.
Molecular consequence: nonsense.
Genome position (GRCh38, 1-based): chr16:2,288,261, C>T on the plus strand (G>A on the coding strand, the complement: ABCA3 is on the minus strand). VCF-style: chr16-2288261-C-T. GRCh37 (hg19) VCF-style: chr16-2338262-C-T.
Other names: short protein forms W923*.
Identifiers: ClinVar variation 2114317 (VCV002114317.4), dbSNP rs1326254168, ClinGen allele CA394324063.
Genomic context (GRCh38, chr16:2,288,261, plus strand): 5'-GGCCAGGAGGGCCAGGGTGACGCAGGTCAGAGGCACCAGGACCTGTGCCGCCACCATTTT[C>T]CACTCGCGCCAGCTGTATGCGGCCTTCTTCAGGAACATGGCCCAGAATTGCTGGCAGTGC-3'

ClinVar aggregate classification (germline): Pathogenic (1 of 4 stars; one submission).

Submission:

Labcorp Genetics (formerly Invitae), Labcorp
Classification: Pathogenic. Last evaluated: 2022-10-13. Review status: criteria provided, single submitter. Criteria: Invitae Variant Classification Sherloc (09022015). Collection method: clinical testing. Allele origin: germline.
Comment: This variant is not present in population databases (gnomAD no frequency). This sequence change creates a premature translational stop signal (p.Trp923*) in the ABCA3 gene. It is expected to result in an absent or disrupted protein product. Loss-of-function variants in ABCA3 are known to be pathogenic (PMID: 27516224). This variant has not been reported in the literature in individuals affected with ABCA3-related conditions. For these reasons, this variant has been classified as Pathogenic.

Literature cited by the submitters: PubMed 27516224.